The following is an entry in ClinVar:

ClinVar aggregate classification (germline): Conflicting classifications of pathogenicity. Review status: criteria provided, conflicting classifications (1 of 4 stars). 2 submissions from 2 submitters: Uncertain significance (1); Benign (1). Last evaluated 2026-01-19.

Conditions:
Adams-Oliver syndrome 5 (AOS5). Identifiers: Orphanet 974, MedGen C4014970, MONDO:0014459, OMIM 616028.

Allele frequency attached by ClinVar (database versions not stated): gnomAD 0.00001.
gnomAD v4.1: 1 of 1,602,272 alleles (0.000062%); highest among the groups gnomAD compares: East Asian, 0.0022%; no homozygotes.

Submissions (2):

Labcorp Genetics (formerly Invitae), Labcorp
Classification: Benign for Adams-Oliver syndrome 5. Last evaluated: 2026-01-19. Review status: criteria provided, single submitter. Criteria: Invitae Variant Classification Sherloc (09022015). Collection method: clinical testing. Allele origin: germline.

GeneDx
Classification: Uncertain significance. Last evaluated: 2024-05-28. Review status: criteria provided, single submitter. Criteria: GeneDx Variant Classification Process June 2021. Collection method: clinical testing. Allele origin: germline.
Comment: Not observed at significant frequency in large population cohorts (gnomAD); In silico analysis indicates that this missense variant does not alter protein structure/function; Has not been previously published as pathogenic or benign to our knowledge

NM_017617.5(NOTCH1):c.7241C>T (p.Pro2414Leu)

Gene: NOTCH1 (notch receptor 1; minus strand). Cytogenetic location: 9q34.3.
Variant type: single nucleotide variant.
Coding change: c.7241C>T on transcript NM_017617.5 (MANE Select); coding-DNA position 7241, C replaced by T.
Protein change: p.Pro2414Leu; replaces proline 2414 with leucine.
Molecular consequence: missense variant.
Genome position (GRCh38, 1-based): chr9:136,496,498, G>A on the plus strand (C>T on the coding strand, the complement: NOTCH1 is on the minus strand). VCF-style: chr9-136496498-G-A. GRCh37 (hg19) VCF-style: chr9-139390950-G-A.
Other names: c.7241C>T (NM_017617.3); short protein forms P2414L.
Identifiers: ClinVar variation 1936651 (VCV001936651.7), dbSNP rs1340144781, ClinGen allele CA375627564.